The following is an entry in ClinVar:

NM_002769.5(PRSS1):c.733G>T (p.Ala245Ser)

Genes: TRB (T cell receptor beta locus; plus strand), PRSS1 (serine protease 1; plus strand). Cytogenetic location: 7q34.
Variant type: single nucleotide variant.
Coding change: c.733G>T on transcript NM_002769.5 (MANE Select); coding-DNA position 733, G replaced by T.
Protein change: p.Ala245Ser; replaces alanine 245 with serine.
Molecular consequence: missense variant. On other transcripts: non-coding transcript variant (5).
Genome position (GRCh38, 1-based): chr7:142,753,009, G>T. VCF-style: chr7-142753009-G-T. GRCh37 (hg19) VCF-style: chr7-142460860-G-T.
Other names: short protein forms A245S.
Identifiers: ClinVar variation 3426326 (VCV003426326.1).
Genomic context (GRCh38, chr7:142,753,009, plus strand): 5'-AAGCCTGGAGTCTACACCAAGGTCTACAACTATGTGAAATGGATTAAGAACACCATAGCT[G>T]CCAATAGCTAAAGCCCCCAGTATCTCTTCAGTCTCTATACCAATAAAGTGACCCTGTTCT-3'
Protein context (NP_002760.1, residues 235-247): YVKWIKNTIA[Ala245Ser]NS

ClinVar aggregate classification (germline): Uncertain significance (1 of 4 stars; one submission).

Conditions:
Hereditary pancreatitis (PCTT). Also called: Hereditary chronic pancreatitis; PRSS1-Related Hereditary Pancreatitis. Identifiers: Orphanet 676, MedGen C0238339, MONDO:0008185, OMIM 167800.

Submission:

Ambry Genetics
Classification: Uncertain significance for Hereditary pancreatitis. Last evaluated: 2024-09-12. Review status: criteria provided, single submitter. Criteria: Ambry Variant Classification Scheme 2023. Collection method: clinical testing. Allele origin: germline.
Comment: The p.A245S variant (also known as c.733G>T), located in coding exon 5 of the PRSS1 gene, results from a G to T substitution at nucleotide position 733. The alanine at codon 245 is replaced by serine, an amino acid with similar properties. This amino acid position is conserved. In addition, this alteration is predicted to be tolerated by in silico analysis. Based on the available evidence, the clinical significance of this variant remains unclear.